The following is an entry in ClinVar:

NM_002769.5(PRSS1):c.190T>G (p.Cys64Gly)

Genes: TRB (T cell receptor beta locus; plus strand), PRSS1 (serine protease 1; plus strand). Cytogenetic location: 7q34.
Variant type: single nucleotide variant.
Coding change: c.190T>G on transcript NM_002769.5 (MANE Select); coding-DNA position 190, T replaced by G.
Protein change: p.Cys64Gly; replaces cysteine 64 with glycine.
Molecular consequence: missense variant.
Genome position (GRCh38, 1-based): chr7:142,750,704, T>G. VCF-style: chr7-142750704-T-G. GRCh37 (hg19) VCF-style: chr7-142458555-T-G.
Other names: short protein forms C64G.
Identifiers: ClinVar variation 851130 (VCV000851130.13), dbSNP rs1798627075, ClinGen allele CA369607564.
Genomic context (GRCh38, chr7:142,750,704, plus strand): 5'-GGCTACCACTTCTGTGGTGGCTCCCTCATCAACGAACAGTGGGTGGTATCAGCAGGCCAC[T>G]GCTACAAGTCGTAAGTGTGGGGCCCCCGACTGCAAAGCTCCCGGCCAGTCTGCCTGGGAG-3'
Protein context (NP_002760.1, residues 54-74): NEQWVVSAGH[Cys64Gly]YKSRIQVRLG

ClinVar aggregate classification (germline): Uncertain significance. Review status: criteria provided, multiple submitters, no conflicts (2 of 4 stars). 2 submissions from 2 submitters: Uncertain significance (2). Last evaluated 2026-04-14.

Conditions:
Hereditary pancreatitis (PCTT). Also called: Hereditary chronic pancreatitis; PRSS1-Related Hereditary Pancreatitis. Identifiers: Orphanet 676, MedGen C0238339, MONDO:0008185, OMIM 167800.

Allele frequency attached by ClinVar (database versions not stated): gnomAD exomes 0.00001.
gnomAD v4.1: 12 of 1,613,892 alleles (0.00074%); highest among the groups gnomAD compares: Non-Finnish European, 0.001%; no homozygotes.

Submissions (2):

Ambry Genetics
Classification: Uncertain significance for Hereditary pancreatitis. Last evaluated: 2026-04-14. Review status: criteria provided, single submitter. Criteria: Ambry Variant Classification Scheme 2023. Collection method: clinical testing. Allele origin: germline.

Labcorp Genetics (formerly Invitae), Labcorp
Classification: Uncertain significance for Hereditary pancreatitis. Last evaluated: 2019-12-13. Review status: criteria provided, single submitter. Criteria: Invitae Variant Classification Sherloc (09022015). Collection method: clinical testing. Allele origin: germline.
Comment: This sequence change replaces cysteine with glycine at codon 64 of the PRSS1 protein (p.Cys64Gly). The cysteine residue is highly conserved and there is a large physicochemical difference between cysteine and glycine. This variant is not present in population databases (ExAC no frequency). This variant has not been reported in the literature in individuals with PRSS1-related conditions. Algorithms developed to predict the effect of missense changes on protein structure and function are either unavailable or do not agree on the potential impact of this missense change (SIFT: "Deleterious"; PolyPhen-2: "Probably Damaging"; Align-GVGD: "Class C0"). In summary, the available evidence is currently insufficient to determine the role of this variant in disease. Therefore, it has been classified as a Variant of Uncertain Significance.